The following is an entry in ClinVar:

NM_198525.3(KIF7):c.151C>T (p.Arg51Cys)

Gene: KIF7 (kinesin family member 7; minus strand). Cytogenetic location: 15q26.1.
Variant type: single nucleotide variant.
Coding change: c.151C>T on transcript NM_198525.3 (MANE Select); coding-DNA position 151, C replaced by T.
Protein change: p.Arg51Cys; replaces arginine 51 with cysteine.
Molecular consequence: missense variant.
Genome position (GRCh38, 1-based): chr15:89,652,780, G>A on the plus strand (C>T on the coding strand, the complement: KIF7 is on the minus strand). VCF-style: chr15-89652780-G-A. GRCh37 (hg19) VCF-style: chr15-90196011-G-A.
Other names: short protein forms R51C.
Identifiers: ClinVar variation 1473280 (VCV001473280.7), dbSNP rs746429585, ClinGen allele CA7728683.

ClinVar aggregate classification (germline): Conflicting classifications of pathogenicity. Review status: criteria provided, conflicting classifications (1 of 4 stars). 2 submissions from 2 submitters: Uncertain significance (1); Likely benign (1). Last evaluated 2021-08-14.

Conditions:
Acrocallosal syndrome (ACLS). Also called: HALLUX DUPLICATION, POSTAXIAL POLYDACTYLY, AND ABSENCE OF CORPUS CALLOSUM; Schinzel syndrome 1; Absence of corpus callosum with unusual facial appearance, mental deficiency, duplication of the halluces and polydactyly. Identifiers: Orphanet 36, MedGen C0796147, MONDO:0008708, OMIM 200990.

Allele frequency attached by ClinVar (database versions not stated): gnomAD 0.00001; gnomAD exomes 0.00001; TOPMed 0.00001; ExAC 0.00005.
gnomAD v4.1: 19 of 1,551,358 alleles (0.0012%); highest among the groups gnomAD compares: African/African-American, 0.0027%; no homozygotes.

Submissions (2):

Labcorp Genetics (formerly Invitae), Labcorp
Classification: Uncertain significance for Acrocallosal syndrome. Last evaluated: 2021-08-14. Review status: criteria provided, single submitter. Criteria: Invitae Variant Classification Sherloc (09022015). Collection method: clinical testing. Allele origin: germline.
Comment: This sequence change replaces arginine with cysteine at codon 51 of the KIF7 protein (p.Arg51Cys). The arginine residue is weakly conserved and there is a large physicochemical difference between arginine and cysteine. This variant is present in population databases (rs746429585, ExAC 0.01%). This variant has not been reported in the literature in individuals affected with KIF7-related conditions. Algorithms developed to predict the effect of missense changes on protein structure and function are either unavailable or do not agree on the potential impact of this missense change (SIFT: "Deleterious"; PolyPhen-2: "Probably Damaging"; Align-GVGD: "Class C0"). In summary, the available evidence is currently insufficient to determine the role of this variant in disease. Therefore, it has been classified as a Variant of Uncertain Significance.

Dr.Nikuei Genetic Center
Classification: Likely benign for Acrocallosal syndrome. Review status: criteria provided, single submitter. Criteria: ACMG Guidelines, 2015. Collection method: clinical testing. Allele origin: germline. Inheritance: Autosomal recessive inheritance. Affected: no. Observed: 1 homozygote.